The following is an entry in ClinVar:

ClinVar aggregate classification (germline): Uncertain significance (1 of 4 stars; one submission).

Submission:

CeGaT Center for Human Genetics Tuebingen
Classification: Uncertain significance. Last evaluated: 2026-02-01. Review status: criteria provided, single submitter. Criteria: CeGaT Center For Human Genetics Tuebingen Variant Classification Criteria Version 2. Collection method: clinical testing. Allele origin: germline. Affected: yes. Observed: 1 variant allele.
Comment: SACS: PM2, BP4

NM_014363.6(SACS):c.3418A>G (p.Thr1140Ala)

Gene: SACS (sacsin molecular chaperone; minus strand). Cytogenetic location: 13q12.12.
Variant type: single nucleotide variant.
Coding change: c.3418A>G on transcript NM_014363.6 (MANE Select); coding-DNA position 3418, A replaced by G.
Protein change: p.Thr1140Ala; replaces threonine 1140 with alanine.
Molecular consequence: missense variant.
Genome position (GRCh38, 1-based): chr13:23,340,458, T>C on the plus strand (A>G on the coding strand, the complement: SACS is on the minus strand). VCF-style: chr13-23340458-T-C. GRCh37 (hg19) VCF-style: chr13-23914597-T-C.
Other names: c.2977A>G, p.Thr993Ala (NM_001278055.2); c.3445A>G, p.Thr1149Ala (NM_001437336.1); short protein forms T1140A, T1149A, T993A.
Identifiers: ClinVar variation 4822752 (VCV004822752.4).